The following is an entry in ClinVar:

NM_006231.4(POLE):c.3664C>A (p.His1222Asn)

Gene: POLE (DNA polymerase epsilon, catalytic subunit; minus strand). Cytogenetic location: 12q24.33.
Variant type: single nucleotide variant.
Coding change: c.3664C>A on transcript NM_006231.4 (MANE Select); coding-DNA position 3664, C replaced by A.
Protein change: p.His1222Asn; replaces histidine 1222 with asparagine.
Molecular consequence: missense variant.
Genome position (GRCh38, 1-based): chr12:132,649,808, G>T on the plus strand (C>A on the coding strand, the complement: POLE is on the minus strand). VCF-style: chr12-132649808-G-T. GRCh37 (hg19) VCF-style: chr12-133226394-G-T.
Other names: short protein forms H1222N.
Identifiers: ClinVar variation 3422185 (VCV003422185.1).

ClinVar aggregate classification (germline): Uncertain significance (1 of 4 stars; one submission).

Conditions:
Hereditary cancer-predisposing syndrome. Also called: Neoplastic Syndromes, Hereditary; Tumor predisposition; Hereditary Cancer Syndrome; Hereditary neoplastic syndrome. Identifiers: Orphanet 140162, MedGen C0027672, MeSH D009386, MONDO:0015356.

gnomAD v4.1: 1 of 1,614,180 alleles (0.000062%); highest among the groups gnomAD compares: South Asian, 0.0011%; no homozygotes.

Submission:

Ambry Genetics
Classification: Uncertain significance for Hereditary cancer-predisposing syndrome. Last evaluated: 2024-10-05. Review status: criteria provided, single submitter. Criteria: Ambry Variant Classification Scheme 2023. Collection method: clinical testing. Allele origin: germline.
Comment: The p.H1222N variant (also known as c.3664C>A), located in coding exon 30 of the POLE gene, results from a C to A substitution at nucleotide position 3664. The histidine at codon 1222 is replaced by asparagine, an amino acid with similar properties. This amino acid position is conserved. In addition, this alteration is predicted to be tolerated by in silico analysis. Based on the available evidence, the clinical significance of this variant remains unclear.